The following is an entry in ClinVar:

ClinVar aggregate classification (germline): Likely pathogenic. Review status: criteria provided, multiple submitters, no conflicts (2 of 4 stars). 6 submissions from 6 submitters: Likely pathogenic (4). 2 of the submissions do not count toward it. Last evaluated 2026-01-07.

Conditions:
Short stature and advanced bone age, with or without early-onset osteoarthritis and/or osteochondritis dissecans (SSOAOD). Identifiers: Orphanet 251262, MedGen C3665488, MONDO:0100462, OMIM 165800.
Spondyloepimetaphyseal dysplasia, aggrecan type. Also called: SEMD, AGGRECAN TYPE. Identifiers: Orphanet 171866, MedGen C2748544, MONDO:0013014, OMIM 612813.

Submissions (6):

Labcorp Genetics (formerly Invitae), Labcorp
Classification: Likely pathogenic. Last evaluated: 2026-01-07. Review status: criteria provided, single submitter. Criteria: Invitae Variant Classification Sherloc (09022015). Collection method: clinical testing. Allele origin: germline.
Comment: This sequence change replaces aspartic acid, which is acidic and polar, with asparagine, which is neutral and polar, at codon 2381 of the ACAN protein (p.Asp2381Asn). This variant is not present in population databases (gnomAD no frequency). This missense change has been observed in individual(s) with autosomal recessive spondyloepimetaphyseal dysplasia and/or clinical features of ACAN-related conditions (PMID: 19110214, 40987814). It has also been observed to segregate with disease in related individuals. This variant is also known as c.6799G>A (p.D2267N). ClinVar contains an entry for this variant (Variation ID: 14305). An algorithm developed to predict the effect of missense changes on protein structure and function (PolyPhen-2) suggests that this variant is likely to be disruptive. Experimental studies have shown that this missense change affects ACAN function (PMID: 19110214). In summary, the currently available evidence indicates that the variant is pathogenic, but additional data are needed to prove that conclusively. Therefore, this variant has been classified as Likely Pathogenic.

3billion
Classification: Likely pathogenic for Spondyloepimetaphyseal dysplasia, aggrecan type. Last evaluated: 2024-11-18. Review status: criteria provided, single submitter. Criteria: ACMG Guidelines, 2015. Collection method: clinical testing. Allele origin: germline. Affected: yes.
Comment: The variant is not observed in the gnomAD v4.1.0 dataset. Predicted Consequence/Location: Missense variant. The majority of the known disease-causing variants of this gene are variants expected to result in premature termination of the protein. The same nucleotide change resulting in the same amino acid change has been previously reported as pathogenic/likely pathogenic with strong evidence (ClinVar ID: VCV000014305 /PMID: 19110214). Therefore, this variant is classified as Likely pathogenic according to the recommendation of ACMG/AMP guideline.

Mendelics
Classification: Likely pathogenic for Short stature and advanced bone age, with or without early-onset osteoarthritis and/or osteochondritis dissecans. Last evaluated: 2022-05-04. Review status: criteria provided, single submitter. Criteria: Mendelics Assertion Criteria 2019. Collection method: clinical testing. Allele origin: germline.

Clinical Biomedical Laboratory, Shriners Hospital For Children - Canada
Classification: Likely pathogenic for Short stature and advanced bone age, with or without early-onset osteoarthritis and/or osteochondritis dissecans. Review status: criteria provided, single submitter. Criteria: ACMG Guidelines, 2015. Collection method: clinical testing. Allele origin: germline. Affected: yes.
Comment: This variant is predicted to substitute an aspartate residue by an asparagine residue in ACAN. This variant is absent in the Genome Aggregation Database (gnomAD v2.1.1), indicating it is very rare. Computational tools (REVEL: 0.437) suggest that the amino acid change has an uncertain effect on protein function. A publication provided functional evidence that the variant leads to a disturbance in ACAN protein glycosylation (PMID 19110214). Based on the ACMG variant interpretation guidelines (criteria: PS4, PP1, PM2, PS3), the available evidence supports classification of this variant as likely pathogenic.

Autoinflammatory diseases unit, CHU de Montpellier
Classification: Likely pathogenic for Short stature and advanced bone age, with or without early-onset osteoarthritis and/or osteochondritis dissecans. Last evaluated: 2024-03-29. Review status: no assertion criteria provided. Collection method: clinical testing. Allele origin: inherited. Affected: yes. Not counted in ClinVar's aggregate classification.

OMIM
Classification: Pathogenic for SPONDYLOEPIMETAPHYSEAL DYSPLASIA, AGGRECAN TYPE. Last evaluated: 2009-01-01. Review status: no assertion criteria provided. Collection method: literature only. Allele origin: germline. Not counted in ClinVar's aggregate classification.

Literature cited by the submitters: PubMed 19110214 (cited by 3 submitters); PubMed 40987814 (cited by Labcorp Genetics (formerly Invitae), Labcorp).

NM_001369268.1(ACAN):c.7255G>A (p.Asp2419Asn)

Gene: ACAN (aggrecan; plus strand). Cytogenetic location: 15q26.1.
Variant type: single nucleotide variant.
Coding change: c.7255G>A on transcript NM_001369268.1 (MANE Select); coding-DNA position 7255, G replaced by A.
Protein change: p.Asp2419Asn; replaces aspartic acid 2419 with asparagine.
Molecular consequence: missense variant.
Genome position (GRCh38, 1-based): chr15:88,872,038, G>A. VCF-style: chr15-88872038-G-A. GRCh37 (hg19) VCF-style: chr15-89415269-G-A.
Other names: D2267N; c.7027G>A, p.Asp2343Asn (NM_001135.4); c.7141G>A, p.Asp2381Asn (NM_013227.4); c.7141G>A (NM_013227.3); short protein forms D2343N, D2381N, D2419N.
Identifiers: ClinVar variation 14305 (VCV000014305.10), dbSNP rs121913568, ClinGen allele CA123855.